The following is an entry in ClinVar:

NM_002734.5(PRKAR1A):c.1097T>G (p.Leu366Arg)

Gene: PRKAR1A (protein kinase cAMP-dependent type I regulatory subunit alpha; plus strand). Cytogenetic location: 17q24.2.
Variant type: single nucleotide variant.
Coding change: c.1097T>G on transcript NM_002734.5 (MANE Select); coding-DNA position 1097, T replaced by G.
Protein change: p.Leu366Arg; replaces leucine 366 with arginine.
Molecular consequence: missense variant. On other transcripts: intron variant (1).
Genome position (GRCh38, 1-based): chr17:68,530,400, T>G. VCF-style: chr17-68530400-T-G. GRCh37 (hg19) VCF-style: chr17-66526541-T-G.
Other names: c.1097T>G, p.Leu366Arg (NM_001276289.2, NM_001278433.2, NM_001369389.1 and 3 more transcripts); c.973+399T>G (NM_001276290.1); short protein forms L366R.
Identifiers: ClinVar variation 945224 (VCV000945224.9), dbSNP rs2085941155, ClinGen allele CA400754841.

ClinVar aggregate classification (germline): Uncertain significance (1 of 4 stars; one submission).

Conditions:
Carney complex, type 1 (CNC1). Also called: CARNEY MYXOMA-ENDOCRINE COMPLEX; CARNEY COMPLEX, TYPE I. Identifiers: Orphanet 1359, MedGen C2607929, MONDO:0008057, OMIM 160980.

Submission:

Labcorp Genetics (formerly Invitae), Labcorp
Classification: Uncertain significance for Carney complex, type 1. Last evaluated: 2019-08-01. Review status: criteria provided, single submitter. Criteria: Invitae Variant Classification Sherloc (09022015). Collection method: clinical testing. Allele origin: germline.
Comment: In summary, the available evidence is currently insufficient to determine the role of this variant in disease. Therefore, it has been classified as a Variant of Uncertain Significance. This sequence change replaces leucine with arginine at codon 366 of the PRKAR1A protein (p.Leu366Arg). The leucine residue is highly conserved and there is a moderate physicochemical difference between leucine and arginine. This variant is not present in population databases (ExAC no frequency). This variant has not been reported in the literature in individuals with PRKAR1A-related conditions. Algorithms developed to predict the effect of missense changes on protein structure and function are either unavailable or do not agree on the potential impact of this missense change (SIFT: "Deleterious"; PolyPhen-2: "Probably Damaging"; Align-GVGD: "Class C0").